The following is an entry in ClinVar:

ClinVar aggregate classification (germline): Conflicting classifications of pathogenicity. Review status: criteria provided, conflicting classifications (1 of 4 stars). 2 submissions from 2 submitters: Uncertain significance (1); Likely benign (1). Last evaluated 2025-06-16.

Conditions:
Inborn genetic diseases. Identifiers: MedGen C0950123, MeSH D030342.
Fanconi anemia (FA). Also called: Fanconi's anemia. Identifiers: Orphanet 84, MedGen C0015625, MeSH D005199, MONDO:0019391.

gnomAD v4.1: 9 of 1,610,330 alleles (0.00056%); highest among the groups gnomAD compares: South Asian, 0.0011%; no homozygotes.

Submissions (2):

Ambry Genetics
Classification: Uncertain significance for Inborn genetic diseases. Last evaluated: 2025-06-16. Review status: criteria provided, single submitter. Criteria: Ambry Variant Classification Scheme 2023. Collection method: clinical testing. Allele origin: germline.
Comment: The p.A737S variant (also known as c.2209G>T), located in coding exon 24 of the FANCA gene, results from a G to T substitution at nucleotide position 2209. The alanine at codon 737 is replaced by serine, an amino acid with similar properties. This amino acid position is conserved. In addition, this alteration is predicted to be tolerated by in silico analysis. Based on the available evidence, the clinical significance of this variant remains unclear.

Labcorp Genetics (formerly Invitae), Labcorp
Classification: Likely benign for Fanconi anemia. Last evaluated: 2024-12-05. Review status: criteria provided, single submitter. Criteria: Invitae Variant Classification Sherloc (09022015). Collection method: clinical testing. Allele origin: germline.

NM_000135.4(FANCA):c.2209G>T (p.Ala737Ser)

Gene: FANCA (FA complementation group A; minus strand). Cytogenetic location: 16q24.3.
Variant type: single nucleotide variant.
Coding change: c.2209G>T on transcript NM_000135.4 (MANE Select); coding-DNA position 2209, G replaced by T.
Protein change: p.Ala737Ser; replaces alanine 737 with serine.
Molecular consequence: missense variant.
Genome position (GRCh38, 1-based): chr16:89,770,577, C>A on the plus strand (G>T on the coding strand, the complement: FANCA is on the minus strand). VCF-style: chr16-89770577-C-A. GRCh37 (hg19) VCF-style: chr16-89836985-C-A.
Other names: c.2209G>T, p.Ala737Ser (NM_001286167.3); short protein forms A737S.
Identifiers: ClinVar variation 3631177 (VCV003631177.3).